The following is an entry in ClinVar:

NC_000001.10:g.(?_100368229)_(100368360_?)del

Gene: AGL (amylo-alpha-1,6-glucosidase and 4-alpha-glucanotransferase; plus strand). Cytogenetic location: 1p21.2.
Variant type: Deletion.
Identifiers: ClinVar variation 2423341 (VCV002423341.3).

ClinVar aggregate classification (germline): Pathogenic (1 of 4 stars; one submission).

Conditions:
Glycogen storage disease type III (GSD3). Also called: FORBES DISEASE; Cori disease. Identifiers: Orphanet 366, MedGen C0017922, MONDO:0009291, OMIM 232400.

Submission:

Labcorp Genetics (formerly Invitae), Labcorp
Classification: Pathogenic for Glycogen storage disease type III. Last evaluated: 2022-05-13. Review status: criteria provided, single submitter. Criteria: Invitae Variant Classification Sherloc (09022015). Collection method: clinical testing. Allele origin: germline.
Comment: This variant is a gross deletion of the genomic region encompassing exon(s) 27 of the AGL gene. This deletion is out-of-frame, and is expected to create a premature termination codon and result in an absent or disrupted protein product. Loss-of-function variants in AGL are known to be pathogenic (PMID: 19299494). This variant has not been reported in the literature in individuals affected with AGL-related conditions. For these reasons, this variant has been classified as Pathogenic.

Literature cited by the submitters: PubMed 19299494.